The following is an entry in ClinVar:

ClinVar aggregate classification (germline): Uncertain significance. Review status: criteria provided, multiple submitters, no conflicts (2 of 4 stars). 2 submissions from 2 submitters: Uncertain significance (2). Last evaluated 2025-10-01.

gnomAD v4.1: 4 of 1,525,136 alleles (0.00026%); highest among the groups gnomAD compares: Non-Finnish European, 0.00035%; no homozygotes.

Submissions (2):

CeGaT Center for Human Genetics Tuebingen
Classification: Uncertain significance. Last evaluated: 2025-10-01. Review status: criteria provided, single submitter. Criteria: CeGaT Center For Human Genetics Tuebingen Variant Classification Criteria Version 2. Collection method: clinical testing. Allele origin: germline. Affected: yes. Observed: 1 variant allele.
Comment: SYNJ1: PM2

Blueprint Genetics
Classification: Uncertain significance. Last evaluated: 2023-11-14. Review status: criteria provided, single submitter. Criteria: ACMG Guidelines, 2015. Collection method: clinical testing. Allele origin: germline.

NM_203446.3(SYNJ1):c.3367C>G (p.Pro1123Ala)

Gene: SYNJ1 (synaptojanin 1; minus strand). Cytogenetic location: 21q22.11.
Variant type: single nucleotide variant.
Coding change: c.3367C>G on transcript NM_203446.3 (MANE Select); coding-DNA position 3367, C replaced by G.
Protein change: p.Pro1123Ala; replaces proline 1123 with alanine.
Molecular consequence: missense variant.
Genome position (GRCh38, 1-based): chr21:32,645,670, G>C on the plus strand (C>G on the coding strand, the complement: SYNJ1 is on the minus strand). VCF-style: chr21-32645670-G-C. GRCh37 (hg19) VCF-style: chr21-34017980-G-C.
Other names: c.3367C>G, p.Pro1123Ala (NM_001160302.2); c.3352C>G, p.Pro1118Ala (NM_001160306.2); c.3484C>G, p.Pro1162Ala (NM_003895.4); short protein forms P1118A, P1123A, P1162A.
Identifiers: ClinVar variation 4534458 (VCV004534458.7).